The following is an entry in ClinVar:

NM_004064.5(CDKN1B):c.354A>T (p.Leu118Phe)

Gene: CDKN1B (cyclin dependent kinase inhibitor 1B; plus strand). Cytogenetic location: 12p13.1.
Variant type: single nucleotide variant.
Coding change: c.354A>T on transcript NM_004064.5 (MANE Select); coding-DNA position 354, A replaced by T.
Protein change: p.Leu118Phe; replaces leucine 118 with phenylalanine.
Molecular consequence: missense variant.
Genome position (GRCh38, 1-based): chr12:12,718,193, A>T. VCF-style: chr12-12718193-A-T. GRCh37 (hg19) VCF-style: chr12-12871127-A-T.
Other names: short protein forms L118F.
Identifiers: ClinVar variation 2090566 (VCV002090566.4), dbSNP rs2136356249, ClinGen allele CA383970360.

ClinVar aggregate classification (germline): Uncertain significance (1 of 4 stars; one submission).

Conditions:
Multiple endocrine neoplasia type 4. Also called: MULTIPLE ENDOCRINE NEOPLASIA, TYPE IV. Identifiers: Orphanet 276152, MedGen C1970712, MONDO:0012552, OMIM 610755.

Submission:

Labcorp Genetics (formerly Invitae), Labcorp
Classification: Uncertain significance for Multiple endocrine neoplasia type 4. Last evaluated: 2022-05-22. Review status: criteria provided, single submitter. Criteria: Invitae Variant Classification Sherloc (09022015). Collection method: clinical testing. Allele origin: germline.
Comment: This sequence change replaces leucine, which is neutral and non-polar, with phenylalanine, which is neutral and non-polar, at codon 118 of the CDKN1B protein (p.Leu118Phe). This variant is not present in population databases (gnomAD no frequency). This variant has not been reported in the literature in individuals affected with CDKN1B-related conditions. Algorithms developed to predict the effect of missense changes on protein structure and function output the following: SIFT: "Tolerated"; PolyPhen-2: "Benign"; Align-GVGD: "Class C0". The phenylalanine amino acid residue is found in multiple mammalian species, which suggests that this missense change does not adversely affect protein function. In summary, the available evidence is currently insufficient to determine the role of this variant in disease. Therefore, it has been classified as a Variant of Uncertain Significance.